The following is an entry in ClinVar:

ClinVar aggregate classification (germline): Uncertain significance (1 of 4 stars; one submission).

Submission:

Labcorp Genetics (formerly Invitae), Labcorp
Classification: Uncertain significance. Last evaluated: 2024-07-08. Review status: criteria provided, single submitter. Criteria: Invitae Variant Classification Sherloc (09022015). Collection method: clinical testing. Allele origin: germline.
Comment: This sequence change replaces histidine, which is basic and polar, with glutamine, which is neutral and polar, at codon 757 of the MCM3AP protein (p.His757Gln). This variant is not present in population databases (gnomAD no frequency). This variant has not been reported in the literature in individuals affected with MCM3AP-related conditions. An algorithm developed to predict the effect of missense changes on protein structure and function (PolyPhen-2) suggests that this variant is likely to be disruptive. In summary, the available evidence is currently insufficient to determine the role of this variant in disease. Therefore, it has been classified as a Variant of Uncertain Significance.

NM_003906.5(MCM3AP):c.2271C>G (p.His757Gln)

Gene: MCM3AP (minichromosome maintenance complex component 3 associated protein; minus strand). Cytogenetic location: 21q22.3.
Variant type: single nucleotide variant.
Coding change: c.2271C>G on transcript NM_003906.5 (MANE Select); coding-DNA position 2271, C replaced by G.
Protein change: p.His757Gln; replaces histidine 757 with glutamine.
Molecular consequence: missense variant.
Genome position (GRCh38, 1-based): chr21:46,272,755, G>C on the plus strand (C>G on the coding strand, the complement: MCM3AP is on the minus strand). VCF-style: chr21-46272755-G-C. GRCh37 (hg19) VCF-style: chr21-47692669-G-C.
Other names: short protein forms H757Q.
Identifiers: ClinVar variation 3655815 (VCV003655815.2).